The following is an entry in ClinVar:

NM_000088.4(COL1A1):c.2028+3_2028+20del

Gene: COL1A1 (collagen type I alpha 1 chain; minus strand). Cytogenetic location: 17q21.33.
Variant type: Deletion.
Coding change: c.2028+3_2028+20del on transcript NM_000088.4 (MANE Select); bases 3 to 20 of the intron after coding-DNA position 2028, 18 bases deleted (AAGTAGGCCTCTCTCGCT).
Molecular consequence: splice donor variant.
Genome position (GRCh38, 1-based): chr17:50,191,960-50,191,977, AGCGAGAGAGGCCTACTT deleted on the plus strand (AAGTAGGCCTCTCTCGCT on the coding strand, the reverse complement: COL1A1 is on the minus strand); deleting any 18 consecutive bases within chr17:50,191,960-50,191,978 gives the same sequence; the c. name uses the placement nearest the transcript's 3' end. VCF-style (leftmost placement, unchanged base first): chr17-50191959-CAGCGAGAGAGGCCTACTT-C. GRCh37 (hg19) VCF-style: chr17-48269320-CAGCGAGAGAGGCCTACTT-C.
Identifiers: ClinVar variation 1410245 (VCV001410245.8), dbSNP rs2144561189, ClinGen allele CA2573154255.
Genomic context (GRCh38, chr17:50,191,959, plus strand): 5'-GACAGGGCATGTGAAGGCTGCTCTGGAGATAGGGCCAAGTACGACGCACCTTGACGGATG[CAGCGAGAGAGGCCTACTT>C]ACTCTTGCTCCAGAGGGGCCAGGGGCGCCAAGGTCTCCAGGAACACCCTGAGGGGGAGGG-3'

ClinVar aggregate classification (germline): Uncertain significance (1 of 4 stars; one submission).

Conditions:
Osteogenesis imperfecta type I (OI1). Also called: Classic Non-deforming Osteogenesis Imperfecta with Blue Sclerae; OI, TYPE I; OSTEOGENESIS IMPERFECTA TARDA; OSTEOGENESIS IMPERFECTA WITH BLUE SCLERAE; Osteogenesis imperfecta type 1; Lobstein's Disease. Identifiers: Orphanet 216796, Orphanet 666, MedGen C0023931, MONDO:0008146, OMIM 166200. Disease mechanism: loss of function.

Submission:

Labcorp Genetics (formerly Invitae), Labcorp
Classification: Uncertain significance for Osteogenesis imperfecta type I. Last evaluated: 2021-02-17. Review status: criteria provided, single submitter. Criteria: Invitae Variant Classification Sherloc (09022015). Collection method: clinical testing. Allele origin: germline.
Comment: This variant has been observed in individual(s) with osteogenesis imperfecta (Invitae). This sequence change falls in intron 30 of the COL1A1 gene. It does not directly change the encoded amino acid sequence of the COL1A1 protein. It affects a nucleotide within the consensus splice site of the intron. This variant is not present in population databases (ExAC no frequency). Nucleotide substitutions within the consensus splice site are a relatively common cause of aberrant splicing (PMID: 17576681, 9536098). Algorithms developed to predict the effect of sequence changes on RNA splicing suggest that this variant may disrupt the consensus splice site, but this prediction has not been confirmed by published transcriptional studies. In summary, the available evidence is currently insufficient to determine the role of this variant in disease. Therefore, it has been classified as a Variant of Uncertain Significance.

Literature cited by the submitters: PubMed 17576681; PubMed 9536098.